The following is an entry in ClinVar:

ClinVar aggregate classification (germline): Likely pathogenic (1 of 4 stars; one submission).

Conditions:
Propionic acidemia (PROP). Also called: GLYCINEMIA, KETOTIC; HYPERGLYCINEMIA WITH KETOACIDOSIS AND LEUKOPENIA; KETOTIC HYPERGLYCINEMIA. Identifiers: Orphanet 35, MedGen C0268579, MONDO:0011628, OMIM 606054, HP:0003571.

Submission:

Labcorp Genetics (formerly Invitae), Labcorp
Classification: Likely pathogenic for Propionic acidemia. Last evaluated: 2025-11-28. Review status: criteria provided, single submitter. Criteria: Invitae Variant Classification Sherloc (09022015). Collection method: clinical testing. Allele origin: germline.
Comment: This sequence change affects a donor splice site in intron 22 of the PCCA gene. It is expected to disrupt RNA splicing. Variants that disrupt the donor or acceptor splice site typically lead to a loss of protein function (PMID: 16199547), and loss-of-function variants in PCCA are known to be pathogenic (PMID: 15464417). This variant is not present in population databases (gnomAD no frequency). This variant has not been reported in the literature in individuals affected with PCCA-related conditions. Algorithms developed to predict the effect of sequence changes on RNA splicing suggest that this variant may disrupt the consensus splice site. In summary, the currently available evidence indicates that the variant is pathogenic, but additional data are needed to prove that conclusively. Therefore, this variant has been classified as Likely Pathogenic.

Literature cited by the submitters: PubMed 16199547; PubMed 15464417.

NM_000282.4(PCCA):c.2040+2T>C

Gene: PCCA (propionyl-CoA carboxylase subunit alpha; plus strand). Cytogenetic location: 13q32.3.
Variant type: single nucleotide variant.
Coding change: c.2040+2T>C on transcript NM_000282.4 (MANE Select); the canonical splice donor site of the intron after coding-DNA position 2040, T replaced by C.
Molecular consequence: splice donor variant. On other transcripts: intron variant (2).
Genome position (GRCh38, 1-based): chr13:100,515,569, T>C. VCF-style: chr13-100515569-T-C. GRCh37 (hg19) VCF-style: chr13-101167823-T-C.
Other names: c.1900-12106T>C (NM_001178004.2); c.1986+2T>C (NM_001352605.2); c.1896+2T>C (NM_001352606.2); c.1095+2T>C (NM_001352610.2); c.1041+2T>C (NM_001352611.2); c.951+2T>C (NM_001352612.2); c.1962+2T>C (NM_001127692.3); c.1822-12106T>C (NM_001352607.2); and 1 more.
Identifiers: ClinVar variation 4732180 (VCV004732180.1).